The following is an entry in ClinVar:

NC_000012.11:g.(?_66859035)_(66859222_?)del

Gene: GRIP1 (glutamate receptor interacting protein 1; minus strand). Cytogenetic location: 12q14.3.
Variant type: Deletion.
Identifiers: ClinVar variation 3244434 (VCV003244434.1).

ClinVar aggregate classification (germline): Pathogenic (1 of 4 stars; one submission).

Submission:

Labcorp Genetics (formerly Invitae), Labcorp
Classification: Pathogenic. Last evaluated: 2023-01-19. Review status: criteria provided, single submitter. Criteria: Invitae Variant Classification Sherloc (09022015). Collection method: clinical testing. Allele origin: unknown.
Comment: For these reasons, this variant has been classified as Pathogenic. This variant has not been reported in the literature in individuals affected with GRIP1-related conditions. This variant is a gross deletion of the genomic region encompassing exon(s) 8 of the GRIP1 gene. This deletion is out-of-frame, and is expected to create a premature termination codon and result in an absent or disrupted protein product. Loss-of-function variants in GRIP1 are known to be pathogenic (PMID: 22510445, 24357607).

Literature cited by the submitters: PubMed 22510445; PubMed 24357607.